The following is an entry in ClinVar:

NM_000719.7(CACNA1C):c.3209+129T>C

Gene: CACNA1C (calcium voltage-gated channel subunit alpha1 C; plus strand). Cytogenetic location: 12p13.33.
Variant type: single nucleotide variant.
Coding change: c.3209+129T>C on transcript NM_000719.7 (MANE Select); 129 bases into the intron after coding-DNA position 3209, T replaced by C.
Molecular consequence: intron variant.
Genome position (GRCh38, 1-based): chr12:2,606,792, T>C. VCF-style: chr12-2606792-T-C. GRCh37 (hg19) VCF-style: chr12-2715958-T-C.
Other names: c.3209+129T>C (NM_001167624.3, NM_001167623.2, NM_001167625.2 and 15 more transcripts); c.3269+129T>C (NM_199460.4, NM_001129827.2, NM_001129832.2); c.3200+129T>C (NM_001129844.2).
Identifiers: ClinVar variation 671802 (VCV000671802.5), dbSNP rs215992, ClinGen allele CA13577119.

ClinVar aggregate classification (germline): Benign. Review status: criteria provided, multiple submitters, no conflicts (2 of 4 stars). 2 submissions from 2 submitters: Benign (2). Last evaluated 2019-12-31.

Conditions:
Long QT syndrome (LQTS). Identifiers: MedGen C0023976, MeSH D008133, MONDO:0002442. Disease mechanism: loss of function. Inheritance: Various modes of inheritance.

Allele frequency attached by ClinVar (database versions not stated): gnomAD 0.10242 and 0.10805; gnomAD exomes 0.10445; TOPMed 0.10866; 1000 Genomes Project 30x 0.16412; 1000 Genomes Project 0.17033.
gnomAD v4.1: 99,437 of 944,566 alleles (11%); highest among the groups gnomAD compares: East Asian, 35%; 7,015 homozygotes.

Submissions (2):

Labcorp Genetics (formerly Invitae), Labcorp
Classification: Benign for Long QT syndrome. Last evaluated: 2019-12-31. Review status: criteria provided, single submitter. Criteria: Invitae Variant Classification Sherloc (09022015). Collection method: clinical testing. Allele origin: germline.

GeneDx
Classification: Benign. Last evaluated: 2018-06-19. Review status: criteria provided, single submitter. Criteria: GeneDx Variant Classification (06012015). Collection method: clinical testing. Allele origin: germline. Affected: yes.
Comment: This variant is considered likely benign or benign based on one or more of the following criteria: it is a conservative change, it occurs at a poorly conserved position in the protein, it is predicted to be benign by multiple in silico algorithms, and/or has population frequency not consistent with disease.